The following is an entry in ClinVar:

ClinVar aggregate classification (germline): Likely benign (1 of 4 stars; one submission).

Allele frequency attached by ClinVar (database versions not stated): gnomAD exomes below 0.00001.
gnomAD v4.1: 1 of 1,613,800 alleles (0.000062%); highest among the groups gnomAD compares: Non-Finnish European, 0.000085%; no homozygotes.

Submission:

GeneDx
Classification: Likely benign. Last evaluated: 2017-09-14. Review status: criteria provided, single submitter. Criteria: GeneDx Variant Classification (06012015). Collection method: clinical testing. Allele origin: germline. Affected: yes.
Comment: This variant is considered likely benign or benign based on one or more of the following criteria: it is a conservative change, it occurs at a poorly conserved position in the protein, it is predicted to be benign by multiple in silico algorithms, and/or has population frequency not consistent with disease.

NM_130839.5(UBE3A):c.2226C>G (p.Pro742=)

Genes: SNHG14 (small nucleolar RNA host gene 14; plus strand), UBE3A (ubiquitin protein ligase E3A; minus strand). Cytogenetic location: 15q11.2.
Variant type: single nucleotide variant.
Coding change: c.2226C>G on transcript NM_130839.5 (MANE Select); coding-DNA position 2226, C replaced by G.
Protein change: p.Pro742=; no amino-acid change (proline 742 retained).
Molecular consequence: synonymous variant. On other transcripts: non-coding transcript variant (1), intron variant (3).
Genome position (GRCh38, 1-based): chr15:25,354,582, G>C on the plus strand (C>G on the coding strand, the complement: UBE3A is on the minus strand). VCF-style: chr15-25354582-G-C. GRCh37 (hg19) VCF-style: chr15-25599729-G-C.
Other names: c.2235C>G, p.Pro745= (NM_000462.5); c.2226C>G, p.Pro742= (NM_001354505.1, NM_001354538.2); c.2166C>G, p.Pro722= (NM_001354506.2, NM_001354507.2, NM_001354508.2 and 14 more transcripts); c.2049C>G, p.Pro683= (NM_001354546.2); c.2001C>G, p.Pro667= (NM_001354549.2); c.975C>G, p.Pro325= (NM_001354550.2); c.915C>G, p.Pro305= (NM_001354551.2); c.2065-156C>G (NM_001354548.2, NM_001354547.2); and 1 more.
Identifiers: ClinVar variation 512008 (VCV000512008.1), dbSNP rs1555389825, ClinGen allele CA488913774.